The following is an entry in ClinVar:

ClinVar aggregate classification (germline): Uncertain significance (1 of 4 stars; one submission).

Conditions:
Dyskeratosis congenita. Identifiers: Orphanet 1775, MedGen C0265965, MONDO:0015780.

Submission:

Labcorp Genetics (formerly Invitae), Labcorp
Classification: Uncertain significance for Dyskeratosis congenita. Last evaluated: 2020-02-04. Review status: criteria provided, single submitter. Criteria: Invitae Variant Classification Sherloc (09022015). Collection method: clinical testing. Allele origin: germline.
Comment: This variant has not been reported in the literature in individuals with TINF2-related conditions. In summary, the available evidence is currently insufficient to determine the role of this variant in disease. Therefore, it has been classified as a Variant of Uncertain Significance. Algorithms developed to predict the effect of missense changes on protein structure and function (SIFT, PolyPhen-2, Align-GVGD) all suggest that this variant is likely to be tolerated, but these predictions have not been confirmed by published functional studies and their clinical significance is uncertain. This variant is not present in population databases (ExAC no frequency). This sequence change replaces glutamine with arginine at codon 78 of the TINF2 protein (p.Gln78Arg). The glutamine residue is moderately conserved and there is a small physicochemical difference between glutamine and arginine.

NM_001099274.3(TINF2):c.233A>G (p.Gln78Arg)

Gene: TINF2 (TERF1 interacting nuclear factor 2; minus strand). Cytogenetic location: 14q12.
Variant type: single nucleotide variant.
Coding change: c.233A>G on transcript NM_001099274.3 (MANE Select); coding-DNA position 233, A replaced by G.
Protein change: p.Gln78Arg; replaces glutamine 78 with arginine.
Molecular consequence: missense variant. On other transcripts: intron variant (1).
Genome position (GRCh38, 1-based): chr14:24,241,954, T>C on the plus strand (A>G on the coding strand, the complement: TINF2 is on the minus strand). VCF-style: chr14-24241954-T-C. GRCh37 (hg19) VCF-style: chr14-24711160-T-C.
Other names: c.233A>G, p.Gln78Arg (NM_012461.3); c.193-178A>G (NM_001363668.2); short protein forms Q78R.
Identifiers: ClinVar variation 1055435 (VCV001055435.9), dbSNP rs2139003067, ClinGen allele CA389234176.